The following is an entry in ClinVar:

NM_003072.5(SMARCA4):c.109G>A (p.Gly37Ser)

Gene: SMARCA4 (SWI/SNF related BAF chromatin remodeling complex subunit ATPase 4; plus strand). Cytogenetic location: 19p13.2.
Variant type: single nucleotide variant.
Coding change: c.109G>A on transcript NM_003072.5 (MANE Select); coding-DNA position 109, G replaced by A.
Protein change: p.Gly37Ser; replaces glycine 37 with serine.
Molecular consequence: missense variant. On other transcripts: non-coding transcript variant (1).
Genome position (GRCh38, 1-based): chr19:10,984,260, G>A. VCF-style: chr19-10984260-G-A. GRCh37 (hg19) VCF-style: chr19-11094936-G-A.
Other names: c.109G>A, p.Gly37Ser (NM_001128844.3, NM_001128845.2, NM_001128846.2 and 5 more transcripts); short protein forms G37S.
Identifiers: ClinVar variation 1037411 (VCV001037411.8), dbSNP rs2085812988, ClinGen allele CA404054253.

ClinVar aggregate classification (germline): Uncertain significance (1 of 4 stars; one submission).

Conditions:
Rhabdoid tumor predisposition syndrome 2 (RTPS2). Identifiers: Orphanet 231108, Orphanet 69077, MedGen C2750074, MONDO:0013224, OMIM 613325.

Submission:

Labcorp Genetics (formerly Invitae), Labcorp
Classification: Uncertain significance for Rhabdoid tumor predisposition syndrome 2. Last evaluated: 2020-07-31. Review status: criteria provided, single submitter. Criteria: Invitae Variant Classification Sherloc (09022015). Collection method: clinical testing. Allele origin: germline.
Comment: In summary, the available evidence is currently insufficient to determine the role of this variant in disease. Therefore, it has been classified as a Variant of Uncertain Significance. Algorithms developed to predict the effect of missense changes on protein structure and function are either unavailable or do not agree on the potential impact of this missense change (SIFT: "Deleterious"; PolyPhen-2: "Not Available"; Align-GVGD: "Class C55"). This variant has not been reported in the literature in individuals with SMARCA4-related conditions. This variant is not present in population databases (ExAC no frequency). This sequence change replaces glycine with serine at codon 37 of the SMARCA4 protein (p.Gly37Ser). The glycine residue is highly conserved and there is a small physicochemical difference between glycine and serine.